The following is an entry in ClinVar:

NM_003873.7(NRP1):c.1572G>A (p.Ser524=)

Gene: NRP1 (neuropilin 1; minus strand). Cytogenetic location: 10p11.22.
Variant type: single nucleotide variant.
Coding change: c.1572G>A on transcript NM_003873.7 (MANE Select); coding-DNA position 1572, G replaced by A.
Protein change: p.Ser524=; no amino-acid change (serine 524 retained).
Molecular consequence: synonymous variant. On other transcripts: non-coding transcript variant (1).
Genome position (GRCh38, 1-based): chr10:33,213,428, C>T on the plus strand (G>A on the coding strand, the complement: NRP1 is on the minus strand). VCF-style: chr10-33213428-C-T. GRCh37 (hg19) VCF-style: chr10-33502356-C-T.
Other names: c.1572G>A, p.Ser524= (NM_001024628.3, NM_001024629.3, NM_001244972.2 and 2 more transcripts).
Identifiers: ClinVar variation 3029781 (VCV003029781.2), dbSNP rs758100228, ClinGen allele CA468981611.
Genomic context (GRCh38, chr10:33,213,428, plus strand): 5'-CCAGTCCCCAGCCCTCACCTTCGCCTTGCGTTTGCTGTCATCCATGATCATCTTCCAGTC[C>T]GAGCCGTTGTTGCTGTACCCGATCTTGAACTTCCTCATGAACACCTTGTTCTCTCGGTGC-3'
Protein context (NP_003864.5, residues 514-534): KFKIGYSNNG[Ser524=]DWKMIMDDSK

ClinVar aggregate classification (germline): Likely benign (0 of 4 stars; one submission).

Conditions:
NRP1-related disorder. Also called: NRP1-related condition.

gnomAD v4.1: 28 of 1,614,004 alleles (0.0017%); highest among the groups gnomAD compares: African/African-American, 0.0067%; no homozygotes.

Submission:

PreventionGenetics, part of Exact Sciences
Classification: Likely benign for NRP1-related condition. Last evaluated: 2022-12-14. Review status: no assertion criteria provided. Collection method: clinical testing. Allele origin: germline.
Comment: This variant is classified as likely benign based on ACMG/AMP sequence variant interpretation guidelines (Richards et al. 2015 PMID: 25741868, with internal and published modifications).